The following is an entry in ClinVar:

ClinVar aggregate classification (germline): Uncertain significance (1 of 4 stars; one submission).

Conditions:
Familial thoracic aortic aneurysm and aortic dissection (TAAD). Also called: Thoracic aortic aneurysms and dissections. Identifiers: Orphanet 91387, MedGen C4707243, MONDO:0019625.

Allele frequency attached by ClinVar (database versions not stated): gnomAD exomes below 0.00001.
gnomAD v4.1: 2 of 1,614,184 alleles (0.00012%); highest among the groups gnomAD compares: East Asian, 0.0022%; no homozygotes.

Submission:

Color Diagnostics, LLC DBA Color Health
Classification: Uncertain significance for Familial thoracic aortic aneurysm and aortic dissection. Last evaluated: 2023-12-04. Review status: criteria provided, single submitter. Criteria: ACMG Guidelines, 2015. Collection method: clinical testing. Allele origin: germline.
Comment: This missense variant replaces threonine with serine at codon 631 of the FBN1 protein. Computational prediction tools and conservation analyses are inconclusive regarding the impact of this variant on protein function. Computational splicing tools suggest that this variant may not impact RNA splicing. To our knowledge, functional assays have not been performed for this variant nor has this variant been reported in individuals affected with cardiovascular disorders in the literature. This variant has been identified in 1/251442 chromosomes in the general population by the Genome Aggregation Database (gnomAD). Available evidence is insufficient to determine the role of this variant in disease conclusively. Therefore, this variant is classified as a Variant of Uncertain Significance.

NM_000138.5(FBN1):c.1892C>G (p.Thr631Ser)

Gene: FBN1 (fibrillin 1; minus strand). Cytogenetic location: 15q21.1.
Variant type: single nucleotide variant.
Coding change: c.1892C>G on transcript NM_000138.5 (MANE Select); coding-DNA position 1892, C replaced by G.
Protein change: p.Thr631Ser; replaces threonine 631 with serine.
Molecular consequence: missense variant.
Genome position (GRCh38, 1-based): chr15:48,505,093, G>C on the plus strand (C>G on the coding strand, the complement: FBN1 is on the minus strand). VCF-style: chr15-48505093-G-C. GRCh37 (hg19) VCF-style: chr15-48797290-G-C.
Other names: short protein forms T631S.
Identifiers: ClinVar variation 922302 (VCV000922302.5), dbSNP rs913115111, ClinGen allele CA269550040.